The following is an entry in ClinVar:

ClinVar aggregate classification (germline): Likely pathogenic (1 of 4 stars; one submission).

Conditions:
Bardet-Biedl syndrome 2 (BBS2). Identifiers: Orphanet 110, MedGen C2936863, MONDO:0014432, OMIM 615981.

Submission:

Myriad Genetics, Inc.
Classification: Likely pathogenic for Bardet-Biedl syndrome 2. Last evaluated: 2022-04-04. Review status: criteria provided, single submitter. Criteria: Myriad Women's Health Autosomal Recessive and X-Linked Classification Criteria (2021). Collection method: clinical testing. Allele origin: unknown.
Comment: NM_031885.3(BBS2):c.691A>T(K231*) is expected to be pathogenic in the context of Bardet-Biedl syndrome, BBS2-related. This variant is predicted to lead to an abnormal or absent protein product due to the creation of a premature termination codon in BBS2, a gene where loss-of-function variants are known to be pathogenic. Please note: this variant was assessed in the context of healthy population screening.

NM_031885.5(BBS2):c.691A>T (p.Lys231Ter)

Gene: BBS2 (Bardet-Biedl syndrome 2; minus strand). Cytogenetic location: 16q13.
Variant type: single nucleotide variant.
Coding change: c.691A>T on transcript NM_031885.5 (MANE Select); coding-DNA position 691, A replaced by T.
Protein change: p.Lys231Ter; replaces lysine 231 with a stop codon.
Molecular consequence: nonsense. On other transcripts: non-coding transcript variant (5).
Genome position (GRCh38, 1-based): chr16:56,506,146, T>A on the plus strand (A>T on the coding strand, the complement: BBS2 is on the minus strand). VCF-style: chr16-56506146-T-A. GRCh37 (hg19) VCF-style: chr16-56540058-T-A.
Other names: c.691A>T, p.Lys231Ter (NM_001377456.1); short protein forms K231*.
Identifiers: ClinVar variation 1725865 (VCV001725865.2), dbSNP rs754487754, ClinGen allele CA395982951.